The following is an entry in ClinVar:

NM_001128840.3(CACNA1D):c.4516G>A (p.Val1506Ile)

Gene: CACNA1D (calcium voltage-gated channel subunit alpha1 D; plus strand). Cytogenetic location: 3p21.1.
Variant type: single nucleotide variant.
Coding change: c.4516G>A on transcript NM_001128840.3 (MANE Select); coding-DNA position 4516, G replaced by A.
Protein change: p.Val1506Ile; replaces valine 1506 with isoleucine.
Molecular consequence: missense variant.
Genome position (GRCh38, 1-based): chr3:53,776,885, G>A. VCF-style: chr3-53776885-G-A. GRCh37 (hg19) VCF-style: chr3-53810912-G-A.
Other names: c.4576G>A, p.Val1526Ile (NM_000720.4); c.4471G>A, p.Val1491Ile (NM_001128839.3); short protein forms V1491I, V1506I, V1526I.
Identifiers: ClinVar variation 2702297 (VCV002702297.3), dbSNP rs2474257096, ClinGen allele CA353243838.

ClinVar aggregate classification (germline): Uncertain significance (1 of 4 stars; one submission).

Submission:

Labcorp Genetics (formerly Invitae), Labcorp
Classification: Uncertain significance. Last evaluated: 2023-12-12. Review status: criteria provided, single submitter. Criteria: Invitae Variant Classification Sherloc (09022015). Collection method: clinical testing. Allele origin: germline.
Comment: This sequence change replaces valine, which is neutral and non-polar, with isoleucine, which is neutral and non-polar, at codon 1526 of the CACNA1D protein (p.Val1526Ile). This variant is not present in population databases (gnomAD no frequency). This variant has not been reported in the literature in individuals affected with CACNA1D-related conditions. Advanced modeling of protein sequence and biophysical properties (such as structural, functional, and spatial information, amino acid conservation, physicochemical variation, residue mobility, and thermodynamic stability) performed at Invitae indicates that this missense variant is not expected to disrupt CACNA1D protein function with a negative predictive value of 80%. In summary, the available evidence is currently insufficient to determine the role of this variant in disease. Therefore, it has been classified as a Variant of Uncertain Significance.